The following is an entry in ClinVar:

ClinVar aggregate classification (germline): Benign/Likely benign. Review status: criteria provided, multiple submitters, no conflicts (2 of 4 stars). 4 submissions from 4 submitters: Benign (3); Likely benign (1). Last evaluated 2026-02-03.

Conditions:
Severe combined immunodeficiency due to DNA-PKcs deficiency. Also called: IMMUNODEFICIENCY 26 WITH NEUROLOGIC ABNORMALITIES; Immunodeficiency 26 with or without neurologic abnormalities. Identifiers: Orphanet 317425, MedGen C4014833, MONDO:0014423, OMIM 615966.

Allele frequency attached by ClinVar (database versions not stated): ExAC 0.00612; ESP Exome Variant Server 0.01855; 1000 Genomes Project 0.02756; 1000 Genomes Project 30x 0.02951; TOPMed 0.03079.

Submissions (4):

Labcorp Genetics (formerly Invitae), Labcorp
Classification: Benign for Severe combined immunodeficiency due to DNA-PKcs deficiency. Last evaluated: 2026-02-03. Review status: criteria provided, single submitter. Criteria: Invitae Variant Classification Sherloc (09022015). Collection method: clinical testing. Allele origin: germline.

Women's Health and Genetics/Laboratory Corporation of America, LabCorp
Classification: Likely benign. Last evaluated: 2026-01-22. Review status: criteria provided, single submitter. Criteria: LabCorp Variant Classification Summary - May 2015. Collection method: clinical testing. Allele origin: germline.

GeneDx
Classification: Benign. Last evaluated: 2016-03-03. Review status: criteria provided, single submitter. Criteria: GeneDx Variant Classification (06012015). Collection method: clinical testing. Allele origin: germline. Affected: yes.
Comment: This variant is considered likely benign or benign based on one or more of the following criteria: it is a conservative change, it occurs at a poorly conserved position in the protein, it is predicted to be benign by multiple in silico algorithms, and/or has population frequency not consistent with disease.

Breakthrough Genomics
Classification: Benign. Review status: criteria provided, single submitter. Criteria: ACMG Guidelines, 2015. Collection method: not provided. Allele origin: germline. Inheritance: Autosomal recessive inheritance. Affected: yes.

NM_006904.7(PRKDC):c.16G>T (p.Ala6Ser)

Genes: PRKDC (protein kinase, DNA-activated, catalytic subunit; minus strand), LOC129929030 (ATAC-STARR-seq lymphoblastoid silent region 19177; plus strand). Cytogenetic location: 8q11.21.
Variant type: single nucleotide variant.
Coding change: c.16G>T on transcript NM_006904.7 (MANE Select); coding-DNA position 16, G replaced by T.
Protein change: p.Ala6Ser; replaces alanine 6 with serine.
Molecular consequence: missense variant.
Genome position (GRCh38, 1-based): chr8:47,960,111, C>A on the plus strand (G>T on the coding strand, the complement: PRKDC is on the minus strand). VCF-style: chr8-47960111-C-A. GRCh37 (hg19) VCF-style: chr8-48872671-C-A.
Other names: c.16G>T, p.Ala6Ser (NM_001081640.2); short protein forms A6S.
Identifiers: ClinVar variation 379772 (VCV000379772.14), dbSNP rs8177999, ClinGen allele CA4742121.
Genomic context (GRCh38, chr8:47,960,111, plus strand): 5'-CGCAGCGGTCCGCAGCGGACAAGGTCTCCTGCAGCCGCAGCAGGGAGCAACGCACACCGG[C>A]TCCGGAGCCCGCCATGCCGCCGAGTCCCGCTCCCGCGCGTGCGCCCGCTCGGCCCGGACC-3'
Protein context (NP_008835.5, residues 1-16): MAGSG[Ala6Ser]GVRCSLLRLQ